The following is an entry in ClinVar:

NM_001144967.3(NEDD4L):c.1901G>C (p.Arg634Thr)

Gene: NEDD4L (NEDD4 like E3 ubiquitin protein ligase; plus strand). Cytogenetic location: 18q21.31.
Variant type: single nucleotide variant.
Coding change: c.1901G>C on transcript NM_001144967.3 (MANE Select); coding-DNA position 1901, G replaced by C.
Protein change: p.Arg634Thr; replaces arginine 634 with threonine.
Molecular consequence: missense variant.
Genome position (GRCh38, 1-based): chr18:58,366,066, G>C. VCF-style: chr18-58366066-G-C. GRCh37 (hg19) VCF-style: chr18-56033298-G-C.
Other names: c.1538G>C, p.Arg513Thr (NM_001144964.1, NM_001144965.2, NM_001144966.3); c.1877G>C, p.Arg626Thr (NM_001144968.2); c.1817G>C, p.Arg606Thr (NM_001144969.2); c.1478G>C, p.Arg493Thr (NM_001144970.3, NM_001144971.2); c.1709G>C, p.Arg570Thr (NM_001243960.2); c.1841G>C, p.Arg614Thr (NM_015277.6); short protein forms R493T, R614T, R634T, R513T, R626T, R570T, R606T.
Identifiers: ClinVar variation 3684676 (VCV003684676.2).

ClinVar aggregate classification (germline): Uncertain significance (1 of 4 stars; one submission).

Submission:

Labcorp Genetics (formerly Invitae), Labcorp
Classification: Uncertain significance. Last evaluated: 2024-09-04. Review status: criteria provided, single submitter. Criteria: Invitae Variant Classification Sherloc (09022015). Collection method: clinical testing. Allele origin: germline.
Comment: This sequence change replaces arginine, which is basic and polar, with threonine, which is neutral and polar, at codon 614 of the NEDD4L protein (p.Arg614Thr). This variant is not present in population databases (gnomAD no frequency). This variant has not been reported in the literature in individuals affected with NEDD4L-related conditions. Invitae Evidence Modeling of protein sequence and biophysical properties (such as structural, functional, and spatial information, amino acid conservation, physicochemical variation, residue mobility, and thermodynamic stability) indicates that this missense variant is not expected to disrupt NEDD4L protein function with a negative predictive value of 80%. In summary, the available evidence is currently insufficient to determine the role of this variant in disease. Therefore, it has been classified as a Variant of Uncertain Significance.